The following is an entry in ClinVar:

NM_006767.4(LZTR1):c.2310G>A (p.Val770=)

Gene: LZTR1 (leucine zipper like post translational regulator 1; plus strand). Cytogenetic location: 22q11.21.
Variant type: single nucleotide variant.
Coding change: c.2310G>A on transcript NM_006767.4 (MANE Select); coding-DNA position 2310, G replaced by A.
Protein change: p.Val770=; no amino-acid change (valine 770 retained).
Molecular consequence: synonymous variant.
Genome position (GRCh38, 1-based): chr22:20,996,786, G>A. VCF-style: chr22-20996786-G-A. GRCh37 (hg19) VCF-style: chr22-21351075-G-A.
Identifiers: ClinVar variation 1634644 (VCV001634644.10), dbSNP rs1226268646, ClinGen allele CA513699633.

ClinVar aggregate classification (germline): Conflicting classifications of pathogenicity. Review status: criteria provided, conflicting classifications (1 of 4 stars). 2 submissions from 2 submitters: Uncertain significance (1); Likely benign (1). Last evaluated 2025-02-18.

Allele frequency attached by ClinVar (database versions not stated): gnomAD 0.00001.
gnomAD v4.1: 1 of 1,613,566 alleles (0.000062%); highest among the groups gnomAD compares: East Asian, 0.0022%; no homozygotes.

Submissions (2):

Labcorp Genetics (formerly Invitae), Labcorp
Classification: Likely benign. Last evaluated: 2025-02-18. Review status: criteria provided, single submitter. Criteria: Invitae Variant Classification Sherloc (09022015). Collection method: clinical testing. Allele origin: germline.

GeneDx
Classification: Uncertain significance. Last evaluated: 2023-09-25. Review status: criteria provided, single submitter. Criteria: GeneDx Variant Classification Process June 2021. Collection method: clinical testing. Allele origin: germline. Affected: yes.
Comment: Not observed at significant frequency in large population cohorts (gnomAD); In silico analysis supports a deleterious effect on splicing; Has not been previously published as pathogenic or benign to our knowledge